The following is an entry in ClinVar:

NM_001197104.2(KMT2A):c.9269C>T (p.Pro3090Leu)

Gene: KMT2A (lysine methyltransferase 2A; plus strand). Cytogenetic location: 11q23.3.
Variant type: single nucleotide variant.
Coding change: c.9269C>T on transcript NM_001197104.2 (MANE Select); coding-DNA position 9269, C replaced by T.
Protein change: p.Pro3090Leu; replaces proline 3090 with leucine.
Molecular consequence: missense variant.
Genome position (GRCh38, 1-based): chr11:118,505,161, C>T. VCF-style: chr11-118505161-C-T. GRCh37 (hg19) VCF-style: chr11-118375876-C-T.
Other names: c.9359C>T, p.Pro3120Leu (NM_001412597.1); c.9260C>T, p.Pro3087Leu (NM_005933.4); short protein forms P3120L, P3087L, P3090L.
Identifiers: ClinVar variation 2754948 (VCV002754948.3), dbSNP rs2497017348, ClinGen allele CA382819533.
Genomic context (GRCh38, chr11:118,505,161, plus strand): 5'-CTCCACCCCACCTGAAGCCAGCCACTGAGAAACTCATAGTTGTTAACCAGAACATGCAGC[C>T]ACTTTATGTTCTCCAAACTCTTCCAAATGGAGTGACCCAAAAAATCCAATTGACCTCTTC-3'
Protein context (NP_001184033.1, residues 3080-3100): KLIVVNQNMQ[Pro3090Leu]LYVLQTLPNG

ClinVar aggregate classification (germline): Uncertain significance (1 of 4 stars; one submission).

Submission:

Labcorp Genetics (formerly Invitae), Labcorp
Classification: Uncertain significance. Last evaluated: 2023-08-24. Review status: criteria provided, single submitter. Criteria: Invitae Variant Classification Sherloc (09022015). Collection method: clinical testing. Allele origin: germline.
Comment: This variant has not been reported in the literature in individuals affected with KMT2A-related conditions. In summary, the available evidence is currently insufficient to determine the role of this variant in disease. Therefore, it has been classified as a Variant of Uncertain Significance. Advanced modeling of protein sequence and biophysical properties (such as structural, functional, and spatial information, amino acid conservation, physicochemical variation, residue mobility, and thermodynamic stability) has been performed at Invitae for this missense variant, however the output from this modeling did not meet the statistical confidence thresholds required to predict the impact of this variant on KMT2A protein function. This variant is not present in population databases (gnomAD no frequency). This sequence change replaces proline, which is neutral and non-polar, with leucine, which is neutral and non-polar, at codon 3090 of the KMT2A protein (p.Pro3090Leu).